The following is an entry in ClinVar:

ClinVar aggregate classification (germline): Benign/Likely benign. Review status: criteria provided, multiple submitters, no conflicts (2 of 4 stars). 4 submissions from 4 submitters: Benign (1); Likely benign (3). Last evaluated 2026-01-29.

Conditions:
Cone-rod dystrophy 9 (CORD9). Identifiers: Orphanet 1872, MedGen C1423873, MONDO:0013002, OMIM 612775.

Allele frequency attached by ClinVar (database versions not stated): gnomAD 0.00344; 1000 Genomes Project 30x 0.00375; 1000 Genomes Project 0.00399; ESP Exome Variant Server 0.00408; TOPMed 0.00449; gnomAD exomes 0.00566.

Submissions (4):

Labcorp Genetics (formerly Invitae), Labcorp
Classification: Benign. Last evaluated: 2026-01-29. Review status: criteria provided, single submitter. Criteria: Invitae Variant Classification Sherloc (09022015). Collection method: clinical testing. Allele origin: germline.

Illumina Laboratory Services, Illumina
Classification: Likely benign for Cone-rod dystrophy 9. Last evaluated: 2017-07-11. Review status: criteria provided, single submitter. Criteria: ICSL Variant Classification Criteria 13 December 2019. Collection method: clinical testing. Allele origin: germline.
Comment: This variant was observed as part of a predisposition screen in an ostensibly healthy population. A literature search was performed for the gene, cDNA change, and amino acid change (where applicable). No publications were found based on this search. Allele frequency data from public databases allowed determination this variant is unlikely to cause disease. Therefore, this variant is classified as likely benign.

Eurofins Ntd Llc (ga)
Classification: Likely benign. Last evaluated: 2014-10-21. Review status: criteria provided, single submitter. Criteria: EGL Classification Definitions 2015. Collection method: clinical testing. Allele origin: germline. Observed: 1 variant allele, 1 heterozygote.

Breakthrough Genomics
Classification: Likely benign. Review status: criteria provided, single submitter. Criteria: ACMG Guidelines, 2015. Collection method: not provided. Allele origin: germline. Inheritance: Autosomal recessive inheritance. Affected: yes.

NM_003816.3(ADAM9):c.226G>A (p.Glu76Lys)

Gene: ADAM9 (ADAM metallopeptidase domain 9; plus strand). Cytogenetic location: 8p11.22.
Variant type: single nucleotide variant.
Coding change: c.226G>A on transcript NM_003816.3 (MANE Select); coding-DNA position 226, G replaced by A.
Protein change: p.Glu76Lys; replaces glutamic acid 76 with lysine.
Molecular consequence: missense variant. On other transcripts: non-coding transcript variant (3).
Genome position (GRCh38, 1-based): chr8:39,011,688, G>A. VCF-style: chr8-39011688-G-A. GRCh37 (hg19) VCF-style: chr8-38869207-G-A.
Other names: short protein forms E76K.
Identifiers: ClinVar variation 196366 (VCV000196366.19), dbSNP rs61753672, ClinGen allele CA202329.
Genomic context (GRCh38, chr8:39,011,688, plus strand): 5'-TTTTATTCTTTTCCCCTTCTGTGCATTTAGGTATCTTATGTTATTCAGGCTGAAGGAAAA[G>A]AGCATATTATTCACTTGGAAAGGAACAAGTAAGACATTTAATTTATTTTGGCTTTTCAGT-3'
Protein context (NP_003807.1, residues 66-86): VSYVIQAEGK[Glu76Lys]HIIHLERNKD